The following is an entry in ClinVar:

NM_004329.3(BMPR1A):c.508T>A (p.Phe170Ile)

Gene: BMPR1A (bone morphogenetic protein receptor type 1A; plus strand). Cytogenetic location: 10q23.2.
Variant type: single nucleotide variant.
Coding change: c.508T>A on transcript NM_004329.3 (MANE Select); coding-DNA position 508, T replaced by A.
Protein change: p.Phe170Ile; replaces phenylalanine 170 with isoleucine.
Molecular consequence: missense variant.
Genome position (GRCh38, 1-based): chr10:86,900,104, T>A. VCF-style: chr10-86900104-T-A. GRCh37 (hg19) VCF-style: chr10-88659861-T-A.
Other names: c.424T>A, p.Phe142Ile (NM_001406584.1, NM_001406586.1, NM_001406585.1 and 2 more transcripts); c.508T>A, p.Phe170Ile (NM_001406559.1, NM_001406560.1, NM_001406561.1 and 22 more transcripts); short protein forms F142I, F170I.
Identifiers: ClinVar variation 1745267 (VCV001745267.2), dbSNP rs2539495510, ClinGen allele CA377450639.

ClinVar aggregate classification (germline): Uncertain significance (1 of 4 stars; one submission).

Conditions:
Hereditary cancer-predisposing syndrome. Also called: Hereditary Cancer Syndrome; Neoplastic Syndromes, Hereditary; Tumor predisposition; Hereditary neoplastic syndrome. Identifiers: Orphanet 140162, MedGen C0027672, MeSH D009386, MONDO:0015356.

Submission:

Ambry Genetics
Classification: Uncertain significance for Hereditary cancer-predisposing syndrome. Last evaluated: 2021-01-25. Review status: criteria provided, single submitter. Criteria: Ambry Variant Classification Scheme 2023. Collection method: clinical testing. Allele origin: germline.
Comment: The p.F170I variant (also known as c.508T>A), located in coding exon 5 of the BMPR1A gene, results from a T to A substitution at nucleotide position 508. The phenylalanine at codon 170 is replaced by isoleucine, an amino acid with highly similar properties. This amino acid position is not well conserved in available vertebrate species. In addition, this alteration is predicted to be tolerated by in silico analysis. Since supporting evidence is limited at this time, the clinical significance of this alteration remains unclear.